The following is an entry in ClinVar:

ClinVar aggregate classification (germline): Uncertain significance (1 of 4 stars; one submission).

Submission:

Labcorp Genetics (formerly Invitae), Labcorp
Classification: Uncertain significance. Last evaluated: 2025-04-11. Review status: criteria provided, single submitter. Criteria: Invitae Variant Classification Sherloc (09022015). Collection method: clinical testing. Allele origin: germline.
Comment: This sequence change replaces methionine, which is neutral and non-polar, with leucine, which is neutral and non-polar, at codon 454 of the FH protein (p.Met454Leu). This variant is not present in population databases (gnomAD no frequency). This variant has not been reported in the literature in individuals affected with FH-related conditions. Invitae Evidence Modeling of protein sequence and biophysical properties (such as structural, functional, and spatial information, amino acid conservation, physicochemical variation, residue mobility, and thermodynamic stability) indicates that this missense variant is expected to disrupt FH protein function with a positive predictive value of 95%. In summary, the available evidence is currently insufficient to determine the role of this variant in disease. Therefore, it has been classified as a Variant of Uncertain Significance.

NM_000143.4(FH):c.1360A>T (p.Met454Leu)

Gene: FH (fumarate hydratase; minus strand). Cytogenetic location: 1q43.
Variant type: single nucleotide variant.
Coding change: c.1360A>T on transcript NM_000143.4 (MANE Select); coding-DNA position 1360, A replaced by T.
Protein change: p.Met454Leu; replaces methionine 454 with leucine.
Molecular consequence: missense variant.
Genome position (GRCh38, 1-based): chr1:241,500,467, T>A on the plus strand (A>T on the coding strand, the complement: FH is on the minus strand). VCF-style: chr1-241500467-T-A. GRCh37 (hg19) VCF-style: chr1-241663767-T-A.
Other names: short protein forms M454L.
Identifiers: ClinVar variation 4745916 (VCV004745916.1).